The following is an entry in ClinVar:

NM_004168.4(SDHA):c.1387T>G (p.Phe463Val)

Gene: SDHA (succinate dehydrogenase complex flavoprotein subunit A; plus strand). Cytogenetic location: 5p15.33.
Variant type: single nucleotide variant.
Coding change: c.1387T>G on transcript NM_004168.4 (MANE Select); coding-DNA position 1387, T replaced by G.
Protein change: p.Phe463Val; replaces phenylalanine 463 with valine.
Molecular consequence: missense variant.
Genome position (GRCh38, 1-based): chr5:236,554, T>G. VCF-style: chr5-236554-T-G. GRCh37 (hg19) VCF-style: chr5-236669-T-G.
Other names: c.1243T>G, p.Phe415Val (NM_001294332.2); c.1387T>G, p.Phe463Val (NM_001330758.2); short protein forms F415V, F463V.
Identifiers: ClinVar variation 3793529 (VCV003793529.2).

ClinVar aggregate classification (germline): Uncertain significance (1 of 4 stars; one submission).

Conditions:
Hereditary cancer-predisposing syndrome. Also called: Hereditary Cancer Syndrome; Neoplastic Syndromes, Hereditary; Tumor predisposition; Hereditary neoplastic syndrome. Identifiers: Orphanet 140162, MedGen C0027672, MeSH D009386, MONDO:0015356.

Submission:

Ambry Genetics
Classification: Uncertain significance for Hereditary cancer-predisposing syndrome. Last evaluated: 2026-02-05. Review status: criteria provided, single submitter. Criteria: Ambry Variant Classification Scheme 2023. Collection method: clinical testing. Allele origin: germline.
Comment: The p.F463V variant (also known as c.1387T>G), located in coding exon 10 of the SDHA gene, results from a T to G substitution at nucleotide position 1387. The phenylalanine at codon 463 is replaced by valine, an amino acid with highly similar properties. This amino acid position is conserved. In addition, this alteration is predicted to be deleterious by in silico analysis. Based on the available evidence, the clinical significance of this variant remains unclear.